The following is an entry in ClinVar:

ClinVar aggregate classification (germline): Uncertain significance. Review status: criteria provided, multiple submitters, no conflicts (2 of 4 stars). 2 submissions from 2 submitters: Uncertain significance (2). Last evaluated 2023-08-18.

Conditions:
Hereditary breast ovarian cancer syndrome. Also called: Hereditary breast and ovarian cancer; Hereditary breast and/or ovarian cancer syndrome; Hereditary breast and ovarian cancer syndrome; Hereditary breast and ovarian cancer syndrome (HBOC); BRCA1- and BRCA2-Associated Hereditary Breast and Ovarian Cancer; Breast and ovarian cancer. Identifiers: Orphanet 145, MedGen C0677776, MeSH D061325, MONDO:0003582. Disease mechanism: loss of function.

Submissions (2):

Quest Diagnostics Nichols Institute San Juan Capistrano
Classification: Uncertain significance. Last evaluated: 2023-08-18. Review status: criteria provided, single submitter. Criteria: Quest Diagnostics criteria. Collection method: clinical testing. Allele origin: unknown.
Comment: This variant has not been reported in the published literature. It also has not been reported in large, multi-ethnic general populations (Genome Aggregation Database). Analysis of this variant using bioinformatics tools for the prediction of the effect of amino acid changes on protein structure and function yielded predictions that this variant is benign. Based on the available information, we are unable to determine the clinical significance of this variant.

Labcorp Genetics (formerly Invitae), Labcorp
Classification: Uncertain significance for Hereditary breast ovarian cancer syndrome. Last evaluated: 2019-06-24. Review status: criteria provided, single submitter. Criteria: Invitae Variant Classification Sherloc (09022015). Collection method: clinical testing. Allele origin: germline.
Comment: This sequence change replaces lysine with isoleucine at codon 1489 of the BRCA1 protein (p.Lys1489Ile). The lysine residue is weakly conserved and there is a moderate physicochemical difference between lysine and isoleucine. This variant is not present in population databases (ExAC no frequency). This variant has not been reported in the literature in individuals with BRCA1-related conditions. Algorithms developed to predict the effect of missense changes on protein structure and function (SIFT, PolyPhen-2, Align-GVGD) all suggest that this variant is likely to be tolerated, but these predictions have not been confirmed by published functional studies and their clinical significance is uncertain. In summary, the available evidence is currently insufficient to determine the role of this variant in disease. Therefore, it has been classified as a Variant of Uncertain Significance.

NM_007294.4(BRCA1):c.4466A>T (p.Lys1489Ile)

Gene: BRCA1 (BRCA1 DNA repair associated; minus strand). Cytogenetic location: 17q21.31.
Variant type: single nucleotide variant.
Coding change: c.4466A>T on transcript NM_007294.4 (MANE Select); coding-DNA position 4466, A replaced by T.
Protein change: p.Lys1489Ile; replaces lysine 1489 with isoleucine.
Molecular consequence: missense variant. On other transcripts: non-coding transcript variant (1).
Genome position (GRCh38, 1-based): chr17:43,076,506, T>A on the plus strand (A>T on the coding strand, the complement: BRCA1 is on the minus strand). VCF-style: chr17-43076506-T-A. GRCh37 (hg19) VCF-style: chr17-41228523-T-A.
Other names: c.4325A>T, p.Lys1442Ile (NM_001407697.1, NM_001407698.1, NM_001407724.1 and 13 more transcripts); c.4334A>T, p.Lys1445Ile (NM_001407691.1, NM_001407690.1); c.4337A>T, p.Lys1446Ile (NM_001407686.1, NM_001407687.1, NM_001407688.1 and 6 more transcripts); c.4253A>T, p.Lys1418Ile (NM_001407571.1, NM_001407894.1, NM_001407895.1 and 12 more transcripts); c.4532A>T, p.Lys1511Ile (NM_001407581.1, NM_001407582.1); c.4529A>T, p.Lys1510Ile (NM_001407583.1, NM_001407585.1, NM_001407587.1 and 1 more transcripts); c.4526A>T, p.Lys1509Ile (NM_001407590.1, NM_001407591.1); c.4466A>T, p.Lys1489Ile (NM_001407593.1, NM_001407594.1, NM_001407596.1 and 8 more transcripts); and 68 more; short protein forms K1489I, K1510I, K385I, K1442I, K1192I, K1193I, K1320I, K1399I.
Identifiers: ClinVar variation 951768 (VCV000951768.13), dbSNP rs587781880, ClinGen allele CA10592599.